The following is an entry in ClinVar:

ClinVar aggregate classification (germline): Uncertain significance (1 of 4 stars; one submission).

Conditions:
Idiopathic generalized epilepsy. Also called: Generalised epilepsy; EIG. Identifiers: MedGen C0270850, MONDO:0005579, OMIM 600669.
Hyperaldosteronism, familial, type IV (HALD4). Also called: FH IV; ALDOSTERONISM, PRIMARY, AND HYPERTENSION. Identifiers: Orphanet 642671, MedGen C4310756, MONDO:0014875, OMIM 617027.

Submission:

Labcorp Genetics (formerly Invitae), Labcorp
Classification: Uncertain significance for Idiopathic generalized epilepsy; Hyperaldosteronism, familial, type IV. Last evaluated: 2024-03-01. Review status: criteria provided, single submitter. Criteria: Invitae Variant Classification Sherloc (09022015). Collection method: clinical testing. Allele origin: germline.
Comment: This sequence change replaces proline, which is neutral and non-polar, with threonine, which is neutral and polar, at codon 557 of the CACNA1H protein (p.Pro557Thr). This variant is not present in population databases (gnomAD no frequency). This variant has not been reported in the literature in individuals affected with CACNA1H-related conditions. Advanced modeling of protein sequence and biophysical properties (such as structural, functional, and spatial information, amino acid conservation, physicochemical variation, residue mobility, and thermodynamic stability) performed at Invitae indicates that this missense variant is not expected to disrupt CACNA1H protein function with a negative predictive value of 80%. In summary, the available evidence is currently insufficient to determine the role of this variant in disease. Therefore, it has been classified as a Variant of Uncertain Significance.

NM_021098.3(CACNA1H):c.1669C>A (p.Pro557Thr)

Gene: CACNA1H (calcium voltage-gated channel subunit alpha1 H; plus strand). Cytogenetic location: 16p13.3.
Variant type: single nucleotide variant.
Coding change: c.1669C>A on transcript NM_021098.3 (MANE Select); coding-DNA position 1669, C replaced by A.
Protein change: p.Pro557Thr; replaces proline 557 with threonine.
Molecular consequence: missense variant.
Genome position (GRCh38, 1-based): chr16:1,202,119, C>A. VCF-style: chr16-1202119-C-A. GRCh37 (hg19) VCF-style: chr16-1252119-C-A.
Other names: c.1669C>A, p.Pro557Thr (NM_001005407.2); short protein forms P557T.
Identifiers: ClinVar variation 2922053 (VCV002922053.3), dbSNP rs1394895640, ClinGen allele CA394161869.